The following is an entry in ClinVar:

NM_182961.4(SYNE1):c.1242A>G (p.Ile414Met)

Gene: SYNE1 (spectrin repeat containing nuclear envelope protein 1; minus strand). Cytogenetic location: 6q25.2.
Variant type: single nucleotide variant.
Coding change: c.1242A>G on transcript NM_182961.4 (MANE Select); coding-DNA position 1242, A replaced by G.
Protein change: p.Ile414Met; replaces isoleucine 414 with methionine.
Molecular consequence: missense variant.
Genome position (GRCh38, 1-based): chr6:152,483,193, T>C on the plus strand (A>G on the coding strand, the complement: SYNE1 is on the minus strand). VCF-style: chr6-152483193-T-C. GRCh37 (hg19) VCF-style: chr6-152804328-T-C.
Other names: c.1263A>G, p.Ile421Met (NM_033071.5); short protein forms I414M, I421M.
Identifiers: ClinVar variation 1015940 (VCV001015940.5), dbSNP rs2098918498, ClinGen allele CA366140240.

ClinVar aggregate classification (germline): Uncertain significance (1 of 4 stars; one submission).

Conditions:
Autosomal recessive ataxia, Beauce type. Also called: ATAXIA, RECESSIVE, OF BEAUCE; Spinocerebellar ataxia, autosomal recessive 8; SYNE1-Related Autosomal Recessive Cerebellar Ataxia; SYNE1 Deficiency. Identifiers: Orphanet 88644, MedGen C1853116, MONDO:0012549, OMIM 610743.
Emery-Dreifuss muscular dystrophy 4, autosomal dominant (EDMD4). Also called: EMERY-DREIFUSS MUSCULAR DYSTROPHY 4 WITH VARIABLE FEATURES. Identifiers: Orphanet 261, MedGen C2751807, MONDO:0013071, OMIM 612998.

Allele frequency attached by ClinVar (database versions not stated): gnomAD exomes below 0.00001; TOPMed below 0.00001; gnomAD 0.00001.
gnomAD v4.1: 5 of 1,613,968 alleles (0.00031%); highest among the groups gnomAD compares: Non-Finnish European, 0.00042%; no homozygotes.

Submission:

Labcorp Genetics (formerly Invitae), Labcorp
Classification: Uncertain significance for Emery-Dreifuss muscular dystrophy 4, autosomal dominant; Autosomal recessive ataxia, Beauce type. Last evaluated: 2024-08-05. Review status: criteria provided, single submitter. Criteria: Invitae Variant Classification Sherloc (09022015). Collection method: clinical testing. Allele origin: germline.
Comment: This sequence change replaces isoleucine, which is neutral and non-polar, with methionine, which is neutral and non-polar, at codon 421 of the SYNE1 protein (p.Ile421Met). This variant is not present in population databases (gnomAD no frequency). This variant has not been reported in the literature in individuals affected with SYNE1-related conditions. ClinVar contains an entry for this variant (Variation ID: 1015940). An algorithm developed to predict the effect of missense changes on protein structure and function (PolyPhen-2) suggests that this variant is likely to be disruptive. In summary, the available evidence is currently insufficient to determine the role of this variant in disease. Therefore, it has been classified as a Variant of Uncertain Significance.